The following is an entry in ClinVar:

ClinVar aggregate classification (germline): Uncertain significance (1 of 4 stars; one submission).

Submission:

Ambry Genetics
Classification: Uncertain significance. Last evaluated: 2025-02-10. Review status: criteria provided, single submitter. Criteria: Ambry Variant Classification Scheme 2023. Collection method: clinical testing. Allele origin: germline.
Comment: The p.L840F variant (also known as c.2520G>T), located in coding exon 13 of the GEN1 gene, results from a G to T substitution at nucleotide position 2520. The leucine at codon 840 is replaced by phenylalanine, an amino acid with highly similar properties. This amino acid position is conserved. In addition, this alteration is predicted to be tolerated by in silico analysis. Based on the available evidence, the clinical significance of this variant remains unclear.

NM_001130009.3(GEN1):c.2520G>T (p.Leu840Phe)

Gene: GEN1 (GEN1 Holliday junction 5' flap endonuclease; plus strand). Cytogenetic location: 2p24.2.
Variant type: single nucleotide variant.
Coding change: c.2520G>T on transcript NM_001130009.3 (MANE Select); coding-DNA position 2520, G replaced by T.
Protein change: p.Leu840Phe; replaces leucine 840 with phenylalanine.
Molecular consequence: missense variant.
Genome position (GRCh38, 1-based): chr2:17,781,732, G>T. VCF-style: chr2-17781732-G-T. GRCh37 (hg19) VCF-style: chr2-17962999-G-T.
Other names: c.2520G>T, p.Leu840Phe (NM_182625.5); short protein forms L840F.
Identifiers: ClinVar variation 3853565 (VCV003853565.1).